The following is an entry in ClinVar:

ClinVar aggregate classification (germline): Uncertain significance (1 of 4 stars; one submission).

Submission:

Labcorp Genetics (formerly Invitae), Labcorp
Classification: Uncertain significance. Last evaluated: 2024-09-23. Review status: criteria provided, single submitter. Criteria: Invitae Variant Classification Sherloc (09022015). Collection method: clinical testing. Allele origin: germline.
Comment: This sequence change replaces proline, which is neutral and non-polar, with phenylalanine, which is neutral and non-polar, at codon 640 of the LZTR1 protein (p.Pro640Phe). Information on the frequency of this variant in the gnomAD database is not available, as this variant may be reported differently in the database. This variant has not been reported in the literature in individuals affected with LZTR1-related conditions. An algorithm developed to predict the effect of missense changes on protein structure and function (PolyPhen-2) suggests that this variant is likely to be tolerated. In summary, the available evidence is currently insufficient to determine the role of this variant in disease. Therefore, it has been classified as a Variant of Uncertain Significance.

NM_006767.4(LZTR1):c.1918_1919delinsTT (p.Pro640Phe)

Gene: LZTR1 (leucine zipper like post translational regulator 1; plus strand). Cytogenetic location: 22q11.21.
Variant type: Indel.
Coding change: c.1918_1919delinsTT on transcript NM_006767.4 (MANE Select); coding-DNA positions 1918 to 1919, CC replaced by TT.
Protein change: p.Pro640Phe; replaces proline 640 with phenylalanine.
Molecular consequence: missense variant.
Genome position (GRCh38, 1-based): chr22:20,995,002-20,995,003, CC replaced by TT. VCF-style: chr22-20995002-CC-TT. GRCh37 (hg19) VCF-style: chr22-21349291-CC-TT.
Other names: short protein forms P640F.
Identifiers: ClinVar variation 3646625 (VCV003646625.2).